The following is an entry in ClinVar:

ClinVar aggregate classification (germline): Uncertain significance (1 of 4 stars; one submission).

Submission:

Labcorp Genetics (formerly Invitae), Labcorp
Classification: Uncertain significance. Last evaluated: 2021-11-27. Review status: criteria provided, single submitter. Criteria: Invitae Variant Classification Sherloc (09022015). Collection method: clinical testing. Allele origin: germline.
Comment: This sequence change replaces phenylalanine, which is neutral and non-polar, with leucine, which is neutral and non-polar, at codon 336 of the SLC26A3 protein (p.Phe336Leu). This variant is not present in population databases (gnomAD no frequency). This variant has not been reported in the literature in individuals affected with SLC26A3-related conditions. Advanced modeling of protein sequence and biophysical properties (such as structural, functional, and spatial information, amino acid conservation, physicochemical variation, residue mobility, and thermodynamic stability) performed at Invitae indicates that this missense variant is not expected to disrupt SLC26A3 protein function. In summary, the available evidence is currently insufficient to determine the role of this variant in disease. Therefore, it has been classified as a Variant of Uncertain Significance.

NM_000111.3(SLC26A3):c.1008C>G (p.Phe336Leu)

Gene: SLC26A3 (solute carrier family 26 member 3; minus strand). Cytogenetic location: 7q22.3.
Variant type: single nucleotide variant.
Coding change: c.1008C>G on transcript NM_000111.3 (MANE Select); coding-DNA position 1008, C replaced by G.
Protein change: p.Phe336Leu; replaces phenylalanine 336 with leucine.
Molecular consequence: missense variant.
Genome position (GRCh38, 1-based): chr7:107,783,316, G>C on the plus strand (C>G on the coding strand, the complement: SLC26A3 is on the minus strand). VCF-style: chr7-107783316-G-C. GRCh37 (hg19) VCF-style: chr7-107423761-G-C.
Other names: short protein forms F336L.
Identifiers: ClinVar variation 1481139 (VCV001481139.3), dbSNP rs2115845281, ClinGen allele CA368852207.